The following is an entry in ClinVar:

NM_032833.5(PPP1R15B):c.347C>T (p.Ala116Val)

Gene: PPP1R15B (protein phosphatase 1 regulatory subunit 15B; minus strand). Cytogenetic location: 1q32.1.
Variant type: single nucleotide variant.
Coding change: c.347C>T on transcript NM_032833.5 (MANE Select); coding-DNA position 347, C replaced by T.
Protein change: p.Ala116Val; replaces alanine 116 with valine.
Molecular consequence: missense variant.
Genome position (GRCh38, 1-based): chr1:204,411,065, G>A on the plus strand (C>T on the coding strand, the complement: PPP1R15B is on the minus strand). VCF-style: chr1-204411065-G-A. GRCh37 (hg19) VCF-style: chr1-204380193-G-A.
Other names: short protein forms A116V.
Identifiers: ClinVar variation 4779615 (VCV004779615.1).

ClinVar aggregate classification (germline): Uncertain significance (1 of 4 stars; one submission).

gnomAD v4.1: 3 of 1,614,202 alleles (0.00019%); highest among the groups gnomAD compares: Admixed American, 0.005%; no homozygotes.

Submission:

Labcorp Genetics (formerly Invitae), Labcorp
Classification: Uncertain significance. Last evaluated: 2025-07-06. Review status: criteria provided, single submitter. Criteria: Invitae Variant Classification Sherloc (09022015). Collection method: clinical testing. Allele origin: germline.
Comment: This sequence change replaces alanine, which is neutral and non-polar, with valine, which is neutral and non-polar, at codon 116 of the PPP1R15B protein (p.Ala116Val). This variant is present in population databases (rs576266765, gnomAD 0.009%). This variant has not been reported in the literature in individuals affected with PPP1R15B-related conditions. Invitae Evidence Modeling of protein sequence and biophysical properties (such as structural, functional, and spatial information, amino acid conservation, physicochemical variation, residue mobility, and thermodynamic stability) indicates that this missense variant is not expected to disrupt PPP1R15B protein function with a negative predictive value of 80%. In summary, the available evidence is currently insufficient to determine the role of this variant in disease. Therefore, it has been classified as a Variant of Uncertain Significance.